The following is an entry in ClinVar:

ClinVar aggregate classification (germline): Pathogenic/Likely pathogenic. Review status: criteria provided, multiple submitters, no conflicts (2 of 4 stars). 3 submissions from 3 submitters: Pathogenic (2); Likely pathogenic (1). Last evaluated 2025-06-16.

Conditions:
Hereditary cancer-predisposing syndrome. Also called: Hereditary neoplastic syndrome; Tumor predisposition; Neoplastic Syndromes, Hereditary; Hereditary Cancer Syndrome. Identifiers: Orphanet 140162, MedGen C0027672, MeSH D009386, MONDO:0015356.
Cardiovascular phenotype. Identifiers: MedGen CN230736.
Neurofibromatosis, type 1 (NF1). Also called: Neurofibromatosis, type I; VON RECKLINGHAUSEN DISEASE; Peripheral type neurofibromatosis; NEUROFIBROMATOSIS, TYPE I, SOMATIC. Identifiers: Orphanet 636, MedGen C0027831, MONDO:0018975, OMIM 162200. Disease mechanism: loss of function.

Submissions (3):

Labcorp Genetics (formerly Invitae), Labcorp
Classification: Pathogenic for Neurofibromatosis, type 1. Last evaluated: 2025-06-16. Review status: criteria provided, single submitter. Criteria: Invitae Variant Classification Sherloc (09022015). Collection method: clinical testing. Allele origin: germline.
Comment: This sequence change replaces leucine, which is neutral and non-polar, with proline, which is neutral and non-polar, at codon 90 of the NF1 protein (p.Leu90Pro). This variant is not present in population databases (gnomAD no frequency). This missense change has been observed in individual(s) with clinical features of neurofibromatosis type I (PMID: 17426081, 30046999; internal data). In at least one individual the variant was observed to be de novo. It has also been observed to segregate with disease in related individuals. ClinVar contains an entry for this variant (Variation ID: 857101). Invitae Evidence Modeling of protein sequence and biophysical properties (such as structural, functional, and spatial information, amino acid conservation, physicochemical variation, residue mobility, and thermodynamic stability) indicates that this missense variant is expected to disrupt NF1 protein function with a positive predictive value of 95%. For these reasons, this variant has been classified as Pathogenic.

NHS Central & South Genomic Laboratory Hub
Classification: Pathogenic for Neurofibromatosis type 1. Last evaluated: 2024-11-11. Review status: criteria provided, single submitter. Criteria: ACMG Guidelines, 2015. Collection method: clinical testing. Allele origin: germline. Affected: yes.

Ambry Genetics
Classification: Likely pathogenic for Cardiovascular phenotype; Hereditary cancer-predisposing syndrome. Last evaluated: 2023-01-27. Review status: criteria provided, single submitter. Criteria: Ambry Variant Classification Scheme 2023. Collection method: clinical testing. Allele origin: germline.
Comment: The p.L90P variant (also known as c.269T>C), located in coding exon 3 of the NF1 gene, results from a T to C substitution at nucleotide position 269. The leucine at codon 90 is replaced by proline, an amino acid with similar properties. This variant was not reported in population-based cohorts in the Genome Aggregation Database (gnomAD). This variant has been identified in multiple individuals meeting clinical diagnostic criteria for neurofibromatosis type 1 (NF1) (Bausch B et al. J Clin Endocrinol Metab, 2007 Jul;92:2784-92; Xiao H et al. J Mol Neurosci, 2018 Aug;65:557-563). This amino acid position is highly conserved in available vertebrate species. In addition, this alteration is predicted to be deleterious by in silico analysis. Based on the majority of available evidence to date, this variant is likely to be pathogenic.

Literature cited by the submitters: PubMed 17426081 (cited by Labcorp Genetics (formerly Invitae), Labcorp); PubMed 30046999 (cited by Labcorp Genetics (formerly Invitae), Labcorp).

NM_001042492.3(NF1):c.269T>C (p.Leu90Pro)

Gene: NF1 (neurofibromin 1; plus strand). Cytogenetic location: 17q11.2.
Variant type: single nucleotide variant.
Coding change: c.269T>C on transcript NM_001042492.3 (MANE Select); coding-DNA position 269, T replaced by C.
Protein change: p.Leu90Pro; replaces leucine 90 with proline.
Molecular consequence: missense variant.
Genome position (GRCh38, 1-based): chr17:31,159,074, T>C. VCF-style: chr17-31159074-T-C. GRCh37 (hg19) VCF-style: chr17-29486092-T-C.
Other names: c.269T>C, p.Leu90Pro (NM_000267.4, NM_001128147.3); short protein forms L90P.
Identifiers: ClinVar variation 857101 (VCV000857101.10), dbSNP rs1555605393, ClinGen allele CA398989775.